The following is an entry in ClinVar:

ClinVar aggregate classification (germline): Uncertain significance. Review status: criteria provided, multiple submitters, no conflicts (2 of 4 stars). 2 submissions from 2 submitters: Uncertain significance (2). Last evaluated 2025-07-25.

Conditions:
Long QT syndrome (LQTS). Identifiers: MedGen C0023976, MeSH D008133, MONDO:0002442. Disease mechanism: loss of function. Inheritance: Various modes of inheritance.
Cardiovascular phenotype. Identifiers: MedGen CN230736.

Allele frequency attached by ClinVar (database versions not stated): gnomAD exomes below 0.00001; TOPMed 0.00002.
gnomAD v4.1: 2 of 1,613,202 alleles (0.00012%); highest among the groups gnomAD compares: African/African-American, 0.0013%; no homozygotes.

Submissions (2):

Ambry Genetics
Classification: Uncertain significance for Cardiovascular phenotype. Last evaluated: 2025-07-25. Review status: criteria provided, single submitter. Criteria: Ambry Variant Classification Scheme 2023. Collection method: clinical testing. Allele origin: germline.
Comment: The p.R1656H variant (also known as c.4967G>A), located in coding exon 41 of the CACNA1C gene, results from a G to A substitution at nucleotide position 4967. The arginine at codon 1656 is replaced by histidine, an amino acid with highly similar properties. This amino acid position is highly conserved in available vertebrate species. In addition, this alteration is predicted to be deleterious by in silico analysis. Based on the available evidence, the clinical significance of this variant remains unclear.

Labcorp Genetics (formerly Invitae), Labcorp
Classification: Uncertain significance for Long QT syndrome. Last evaluated: 2021-09-02. Review status: criteria provided, single submitter. Criteria: Invitae Variant Classification Sherloc (09022015). Collection method: clinical testing. Allele origin: germline.
Comment: This sequence change replaces arginine with histidine at codon 1656 of the CACNA1C protein (p.Arg1656His). The arginine residue is highly conserved and there is a small physicochemical difference between arginine and histidine. This variant is not present in population databases (ExAC no frequency). This variant has not been reported in the literature in individuals affected with CACNA1C-related conditions. Algorithms developed to predict the effect of missense changes on protein structure and function are either unavailable or do not agree on the potential impact of this missense change (SIFT: "Deleterious"; PolyPhen-2: "Probably Damaging"; Align-GVGD: "Class C0"). In summary, the available evidence is currently insufficient to determine the role of this variant in disease. Therefore, it has been classified as a Variant of Uncertain Significance.

NM_000719.7(CACNA1C):c.4967G>A (p.Arg1656His)

Genes: CACNA1C-AS1 (CACNA1C antisense RNA 1; minus strand), CACNA1C (calcium voltage-gated channel subunit alpha1 C; plus strand). Cytogenetic location: 12p13.33.
Variant type: single nucleotide variant.
Coding change: c.4967G>A on transcript NM_000719.7 (MANE Select); coding-DNA position 4967, G replaced by A.
Protein change: p.Arg1656His; replaces arginine 1656 with histidine.
Molecular consequence: missense variant. On other transcripts: non-coding transcript variant (1).
Genome position (GRCh38, 1-based): chr12:2,677,743, G>A. VCF-style: chr12-2677743-G-A. GRCh37 (hg19) VCF-style: chr12-2786909-G-A.
Other names: c.5111G>A, p.Arg1704His (NM_001129827.2, NM_199460.4); c.5090G>A, p.Arg1697His (NM_001129829.2); c.4967G>A, p.Arg1656His (NM_001129830.3, NM_001129840.2, NM_001129841.2 and 4 more transcripts); c.5051G>A, p.Arg1684His (NM_001129831.2); c.5027G>A, p.Arg1676His (NM_001129832.2); c.5024G>A, p.Arg1675His (NM_001129833.2, NM_001129834.2, NM_001129835.2); c.5018G>A, p.Arg1673His (NM_001129836.2); c.4991G>A, p.Arg1664His (NM_001129837.2, NM_001129838.2); and 4 more; short protein forms R1653H, R1664H, R1673H, R1675H, R1684H, R1645H, R1656H, R1697H.
Identifiers: ClinVar variation 1371685 (VCV001371685.6), dbSNP rs2096898275, ClinGen allele CA383378204.